The following is an entry in ClinVar:

NM_000454.5(SOD1):c.250G>A (p.Asp84Asn)

Gene: SOD1 (superoxide dismutase 1; plus strand). Cytogenetic location: 21q22.11.
Variant type: single nucleotide variant.
Coding change: c.250G>A on transcript NM_000454.5 (MANE Select); coding-DNA position 250, G replaced by A.
Protein change: p.Asp84Asn; replaces aspartic acid 84 with asparagine.
Molecular consequence: missense variant.
Genome position (GRCh38, 1-based): chr21:31,667,268, G>A. VCF-style: chr21-31667268-G-A. GRCh37 (hg19) VCF-style: chr21-33039581-G-A.
Other names: short protein forms D84N.
Identifiers: ClinVar variation 3723828 (VCV003723828.2).

ClinVar aggregate classification (germline): Uncertain significance (1 of 4 stars; one submission).

Conditions:
Amyotrophic lateral sclerosis type 1 (ALS1). Also called: AMYOTROPHIC LATERAL SCLEROSIS 1, FAMILIAL. Identifiers: Orphanet 803, MedGen C1862939, MONDO:0007103, OMIM 105400.

Submission:

Labcorp Genetics (formerly Invitae), Labcorp
Classification: Uncertain significance for Amyotrophic lateral sclerosis type 1. Last evaluated: 2025-01-26. Review status: criteria provided, single submitter. Criteria: Invitae Variant Classification Sherloc (09022015). Collection method: clinical testing. Allele origin: germline.
Comment: This sequence change replaces aspartic acid, which is acidic and polar, with asparagine, which is neutral and polar, at codon 84 of the SOD1 protein (p.Asp84Asn). This variant is not present in population databases (gnomAD no frequency). This missense change has been observed in individual(s) with amyotrophic lateral sclerosis (PMID: 24908169). This variant is also known as D83N. Invitae Evidence Modeling of protein sequence and biophysical properties (such as structural, functional, and spatial information, amino acid conservation, physicochemical variation, residue mobility, and thermodynamic stability) indicates that this missense variant is expected to disrupt SOD1 protein function with a positive predictive value of 95%. In summary, the available evidence is currently insufficient to determine the role of this variant in disease. Therefore, it has been classified as a Variant of Uncertain Significance.

Literature cited by the submitters: PubMed 24908169.